The following is an entry in ClinVar:

NM_000810.4(GABRA5):c.627C>A (p.Ser209=)

Gene: GABRA5 (gamma-aminobutyric acid type A receptor subunit alpha5; plus strand). Cytogenetic location: 15q12.
Variant type: single nucleotide variant.
Coding change: c.627C>A on transcript NM_000810.4 (MANE Select); coding-DNA position 627, C replaced by A.
Protein change: p.Ser209=; no amino-acid change (serine 209 retained).
Molecular consequence: synonymous variant.
Genome position (GRCh38, 1-based): chr15:26,937,231, C>A. VCF-style: chr15-26937231-C-A. GRCh37 (hg19) VCF-style: chr15-27182378-C-A.
Other names: c.627C>A, p.Ser209= (NM_001165037.2).
Identifiers: ClinVar variation 3905876 (VCV003905876.10).
Genomic context (GRCh38, chr15:26,937,231, plus strand): 5'-CCCTCCTCATACAGATGCGTACCCTAATTCTGAAGTCGTTTACGTCTGGACCAACGGCTC[C>A]ACCAAGTCGGTGGTGGTGGCGGAAGATGGCTCCAGACTGAACCAGTACCACCTGATGGGG-3'
Protein context (NP_000801.1, residues 199-219): SEVVYVWTNG[Ser209=]TKSVVVAEDG

ClinVar aggregate classification (germline): Likely benign (1 of 4 stars; one submission).

Submission:

CeGaT Center for Human Genetics Tuebingen
Classification: Likely benign. Last evaluated: 2025-05-01. Review status: criteria provided, single submitter. Criteria: CeGaT Center For Human Genetics Tuebingen Variant Classification Criteria Version 2. Collection method: clinical testing. Allele origin: germline. Affected: yes. Observed: 1 variant allele.
Comment: GABRA5: PM2:Supporting, BP4, BP7